The following is an entry in ClinVar:

NM_001282531.3(ADNP):c.921C>G (p.Leu307=)

Gene: ADNP (activity dependent neuroprotector homeobox; minus strand). Cytogenetic location: 20q13.13.
Variant type: single nucleotide variant.
Coding change: c.921C>G on transcript NM_001282531.3 (MANE Select); coding-DNA position 921, C replaced by G.
Protein change: p.Leu307=; no amino-acid change (leucine 307 retained).
Molecular consequence: synonymous variant.
Genome position (GRCh38, 1-based): chr20:50,893,793, G>C on the plus strand (C>G on the coding strand, the complement: ADNP is on the minus strand). VCF-style: chr20-50893793-G-C. GRCh37 (hg19) VCF-style: chr20-49510330-G-C.
Other names: c.921C>G, p.Leu307= (NM_001282532.2, NM_001347511.2, NM_015339.5 and 1 more transcripts); c.921C>G (NM_001282531.2).
Identifiers: ClinVar variation 1298870 (VCV001298870.39), dbSNP rs772948560, ClinGen allele CA9908815.

ClinVar aggregate classification (germline): Likely benign. Review status: criteria provided, multiple submitters, no conflicts (2 of 4 stars). 3 submissions from 3 submitters: Likely benign (2). 1 of the submissions does not count toward it. Last evaluated 2024-05-30.

Conditions:
ADNP-related disorder. Also called: ADNP-related condition.

Allele frequency attached by ClinVar (database versions not stated): TOPMed 0.00002; ExAC 0.00006.
gnomAD v4.1: 50 of 1,614,062 alleles (0.0031%); highest among the groups gnomAD compares: Non-Finnish European, 0.0039%; no homozygotes.

Submissions (3):

Labcorp Genetics (formerly Invitae), Labcorp
Classification: Likely benign. Last evaluated: 2024-05-30. Review status: criteria provided, single submitter. Criteria: Invitae Variant Classification Sherloc (09022015). Collection method: clinical testing. Allele origin: germline.

CeGaT Center for Human Genetics Tuebingen
Classification: Likely benign. Last evaluated: 2021-08-01. Review status: criteria provided, single submitter. Criteria: CeGaT Center For Human Genetics Tuebingen Variant Classification Criteria Version 2. Collection method: clinical testing. Allele origin: germline. Affected: yes. Observed: 1 variant allele.

PreventionGenetics, part of Exact Sciences
Classification: Likely benign for ADNP-related condition. Last evaluated: 2022-12-16. Review status: no assertion criteria provided. Collection method: clinical testing. Allele origin: germline. Not counted in ClinVar's aggregate classification.
Comment: This variant is classified as likely benign based on ACMG/AMP sequence variant interpretation guidelines (Richards et al. 2015 PMID: 25741868, with internal and published modifications).